The following is an entry in ClinVar:

ClinVar aggregate classification (germline): Uncertain significance (1 of 4 stars; one submission).

Conditions:
Diffuse cerebral and cerebellar atrophy - intractable seizures - progressive microcephaly syndrome. Also called: Microcephaly, progressive, with seizures and cerebral and cerebellar atrophy. Identifiers: Orphanet 404437, MedGen C4014239, MONDO:0014335, OMIM 615760.

Submission:

Labcorp Genetics (formerly Invitae), Labcorp
Classification: Uncertain significance for Diffuse cerebral and cerebellar atrophy - intractable seizures - progressive microcephaly syndrome. Last evaluated: 2022-04-12. Review status: criteria provided, single submitter. Criteria: Invitae Variant Classification Sherloc (09022015). Collection method: clinical testing. Allele origin: germline.
Comment: In summary, the available evidence is currently insufficient to determine the role of this variant in disease. Therefore, it has been classified as a Variant of Uncertain Significance. Algorithms developed to predict the effect of missense changes on protein structure and function (SIFT, PolyPhen-2, Align-GVGD) all suggest that this variant is likely to be tolerated. This variant has not been reported in the literature in individuals affected with QARS-related conditions. This variant is not present in population databases (gnomAD no frequency). This sequence change replaces lysine, which is basic and polar, with glutamine, which is neutral and polar, at codon 331 of the QARS protein (p.Lys331Gln).

NM_005051.3(QARS1):c.991A>C (p.Lys331Gln)

Gene: QARS1 (glutaminyl-tRNA synthetase 1; minus strand). Cytogenetic location: 3p21.31.
Variant type: single nucleotide variant.
Coding change: c.991A>C on transcript NM_005051.3 (MANE Select); coding-DNA position 991, A replaced by C.
Protein change: p.Lys331Gln; replaces lysine 331 with glutamine.
Molecular consequence: missense variant. On other transcripts: non-coding transcript variant (1).
Genome position (GRCh38, 1-based): chr3:49,100,444, T>G on the plus strand (A>C on the coding strand, the complement: QARS1 is on the minus strand). VCF-style: chr3-49100444-T-G. GRCh37 (hg19) VCF-style: chr3-49137877-T-G.
Other names: c.958A>C, p.Lys320Gln (NM_001272073.2); short protein forms K320Q, K331Q.
Identifiers: ClinVar variation 2123240 (VCV002123240.4), dbSNP rs771525979, ClinGen allele CA352711332.